The following is an entry in ClinVar:

ClinVar aggregate classification (germline): Uncertain significance (1 of 4 stars; one submission).

Allele frequency attached by ClinVar (database versions not stated): gnomAD exomes below 0.00001; ExAC 0.00001; gnomAD 0.00001; TOPMed 0.00002; ESP Exome Variant Server 0.00008.
gnomAD v4.1: 8 of 1,614,148 alleles (0.0005%); highest among the groups gnomAD compares: Non-Finnish European, 0.00068%; no homozygotes.

Submission:

Labcorp Genetics (formerly Invitae), Labcorp
Classification: Uncertain significance. Last evaluated: 2022-03-14. Review status: criteria provided, single submitter. Criteria: Invitae Variant Classification Sherloc (09022015). Collection method: clinical testing. Allele origin: germline.
Comment: In summary, the available evidence is currently insufficient to determine the role of this variant in disease. Therefore, it has been classified as a Variant of Uncertain Significance. Algorithms developed to predict the effect of missense changes on protein structure and function output the following: SIFT: "Tolerated"; PolyPhen-2: "Benign"; Align-GVGD: "Class C0". The arginine amino acid residue is found in multiple mammalian species, which suggests that this missense change does not adversely affect protein function. This variant has not been reported in the literature in individuals affected with NFE2L2-related conditions. This variant is present in population databases (rs201560221, gnomAD 0.0009%). This sequence change replaces lysine, which is basic and polar, with arginine, which is basic and polar, at codon 428 of the NFE2L2 protein (p.Lys428Arg).

NM_006164.5(NFE2L2):c.1283A>G (p.Lys428Arg)

Gene: NFE2L2 (NFE2 like bZIP transcription factor 2; minus strand). Cytogenetic location: 2q31.2.
Variant type: single nucleotide variant.
Coding change: c.1283A>G on transcript NM_006164.5 (MANE Select); coding-DNA position 1283, A replaced by G.
Protein change: p.Lys428Arg; replaces lysine 428 with arginine.
Molecular consequence: missense variant.
Genome position (GRCh38, 1-based): chr2:177,231,320, T>C on the plus strand (A>G on the coding strand, the complement: NFE2L2 is on the minus strand). VCF-style: chr2-177231320-T-C. GRCh37 (hg19) VCF-style: chr2-178096048-T-C.
Other names: c.1235A>G, p.Lys412Arg (NM_001145412.3, NM_001313900.1, NM_001313901.1); c.1214A>G, p.Lys405Arg (NM_001145413.3); c.1193A>G, p.Lys398Arg (NM_001313902.2); c.1064A>G, p.Lys355Arg (NM_001313903.2); c.983A>G, p.Lys328Arg (NM_001313904.1); short protein forms K328R, K355R, K398R, K405R, K412R, K428R.
Identifiers: ClinVar variation 2428351 (VCV002428351.6), dbSNP rs201560221, ClinGen allele CA1979713.